The following is an entry in ClinVar:

NM_024496.4(IRF2BPL):c.116T>C (p.Val39Ala)

Genes: IRF2BPL (interferon regulatory factor 2 binding protein like; minus strand), LOC107984638 (uncharacterized LOC107984638; plus strand). Cytogenetic location: 14q24.3.
Variant type: single nucleotide variant.
Coding change: c.116T>C on transcript NM_024496.4 (MANE Select); coding-DNA position 116, T replaced by C.
Protein change: p.Val39Ala; replaces valine 39 with alanine.
Molecular consequence: missense variant.
Genome position (GRCh38, 1-based): chr14:77,027,677, A>G on the plus strand (T>C on the coding strand, the complement: IRF2BPL is on the minus strand). VCF-style: chr14-77027677-A-G. GRCh37 (hg19) VCF-style: chr14-77494020-A-G.
Other names: short protein forms V39A.
Identifiers: ClinVar variation 1697068 (VCV001697068.3), dbSNP rs2139977395, ClinGen allele CA390501605.

ClinVar aggregate classification (germline): Uncertain significance (1 of 4 stars; one submission).

Submission:

GeneDx
Classification: Uncertain significance. Last evaluated: 2025-07-23. Review status: criteria provided, single submitter. Criteria: GeneDx Variant Classification Process June 2021. Collection method: clinical testing. Allele origin: germline. Affected: yes.
Comment: Not observed at significant frequency in large population cohorts (gnomAD); In silico analysis supports that this missense variant has a deleterious effect on protein structure/function; Has not been previously published as pathogenic or benign to our knowledge